The following is an entry in ClinVar:

ClinVar aggregate classification (germline): Pathogenic (1 of 4 stars; one submission).

Conditions:
Ataxia-telangiectasia syndrome (AT). Also called: Ataxia-telangiectasia, complementation group D; AT, COMPLEMENTATION GROUP C; ATAXIA-TELANGIECTASIA, COMPLEMENTATION GROUP A; ATAXIA-TELANGIECTASIA, FRESNO VARIANT; Ataxia-telangiectasia; Ataxia-telangiectasia, complementation group E. Identifiers: Orphanet 100, MedGen C0004135, MONDO:0008840, OMIM 208900.

Submission:

Labcorp Genetics (formerly Invitae), Labcorp
Classification: Pathogenic for Ataxia-telangiectasia syndrome. Last evaluated: 2024-07-25. Review status: criteria provided, single submitter. Criteria: Invitae Variant Classification Sherloc (09022015). Collection method: clinical testing. Allele origin: germline.
Comment: This sequence change creates a premature translational stop signal (p.Ser2306Metfs*3) in the ATM gene. It is expected to result in an absent or disrupted protein product. Loss-of-function variants in ATM are known to be pathogenic (PMID: 23807571, 25614872). This variant is not present in population databases (gnomAD no frequency). This variant has not been reported in the literature in individuals affected with ATM-related conditions. For these reasons, this variant has been classified as Pathogenic.

Literature cited by the submitters: PubMed 23807571; PubMed 25614872.

NM_000051.4(ATM):c.6917_6920del (p.Ser2306fs)

Genes: C11orf65 (chromosome 11 open reading frame 65; minus strand), ATM (ATM serine/threonine kinase; plus strand). Cytogenetic location: 11q22.3.
Variant type: Deletion.
Coding change: c.6917_6920del on transcript NM_000051.4 (MANE Select); coding-DNA positions 6917 to 6920, 4 bases deleted (GTCT; older notation c.6917_6920delGTCT).
Protein change: p.Ser2306fs; shifts the reading frame from serine 2306.
Molecular consequence: frameshift variant. On other transcripts: intron variant (2).
Genome position (GRCh38, 1-based): chr11:108,326,167-108,326,170, GTCT deleted. VCF-style (leftmost placement, unchanged base first): chr11-108326166-AGTCT-A. GRCh37 (hg19) VCF-style: chr11-108196893-AGTCT-A.
Other names: c.6917_6920del, p.Ser2306fs (NM_001351834.2); c.641-17099_641-17096del (NM_001330368.2); c.*38+9050_*38+9053del (NM_001351110.2); short protein forms S2306fs.
Identifiers: ClinVar variation 3660568 (VCV003660568.2).